The following is an entry in ClinVar:

NM_001267550.2(TTN):c.85953A>G (p.Leu28651=)

Genes: TTN-AS1 (TTN antisense RNA 1; plus strand), TTN (titin; minus strand). Cytogenetic location: 2q31.2.
Variant type: single nucleotide variant.
Coding change: c.85953A>G on transcript NM_001267550.2 (MANE Select); coding-DNA position 85953, A replaced by G.
Protein change: p.Leu28651=; no amino-acid change (leucine 28651 retained).
Molecular consequence: synonymous variant.
Genome position (GRCh38, 1-based): chr2:178,560,179, T>C on the plus strand (A>G on the coding strand, the complement: TTN is on the minus strand). VCF-style: chr2-178560179-T-C. GRCh37 (hg19) VCF-style: chr2-179424906-T-C.
Other names: c.81030A>G, p.Leu27010= (NM_001256850.1); c.58758A>G, p.Leu19586= (NM_003319.4); c.78249A>G, p.Leu26083= (NM_133378.4); c.59133A>G, p.Leu19711= (NM_133432.3); c.59334A>G, p.Leu19778= (NM_133437.4).
Identifiers: ClinVar variation 467574 (VCV000467574.25), dbSNP rs546573613, ClinGen allele CA60984297.

ClinVar aggregate classification (germline): Conflicting classifications of pathogenicity. Review status: criteria provided, conflicting classifications (1 of 4 stars). 9 submissions from 9 submitters: Uncertain significance (1); Likely benign (8). Last evaluated 2026-05-16.

Conditions:
Cardiovascular phenotype. Identifiers: MedGen CN230736.
Autosomal recessive limb-girdle muscular dystrophy type 2J (LGMDR10). Also called: Limb-girdle muscular dystrophy, type 2J; MUSCULAR DYSTROPHY, LIMB-GIRDLE, AUTOSOMAL RECESSIVE 10. Identifiers: Orphanet 140922, MedGen C1837342, MONDO:0012127, OMIM 608807.
Dilated cardiomyopathy 1G (CMD1G). Identifiers: Orphanet 154, MedGen C1858763, MONDO:0011400, OMIM 604145.
TTN-related disorder. Also called: TTN-related condition; TTN-related disease; TTN-related disorders.
Cardiomyopathy (CMYO). Also called: Cardiomyopathies. Identifiers: Orphanet 167848, MedGen C0878544, MONDO:0004994, HP:0001638. Inheritance: Various modes of inheritance.

Allele frequency attached by ClinVar (database versions not stated): gnomAD 0.00001; gnomAD exomes 0.00001 and 0.00002; TOPMed 0.00002; 1000 Genomes Project 30x 0.00016; 1000 Genomes Project 0.00020.
gnomAD v4.1: 35 of 1,613,742 alleles (0.0022%); highest among the groups gnomAD compares: Non-Finnish European, 0.0027%; no homozygotes.

Submissions (9):

PreventionGenetics, part of Exact Sciences
Classification: Likely benign for TTN-related condition. Last evaluated: 2026-05-16. Review status: criteria provided, single submitter. Criteria: ACMG Guidelines, 2015. Collection method: clinical testing. Allele origin: germline.
Comment: This variant is classified as likely benign based on ACMG/AMP sequence variant interpretation guidelines (Richards et al. 2015 PMID: 25741868, with internal and published modifications).

Labcorp Genetics (formerly Invitae), Labcorp
Classification: Likely benign for Dilated cardiomyopathy 1G; Autosomal recessive limb-girdle muscular dystrophy type 2J. Last evaluated: 2025-12-02. Review status: criteria provided, single submitter. Criteria: Invitae Variant Classification Sherloc (09022015). Collection method: clinical testing. Allele origin: germline.

Molecular Diagnostic Laboratory for Inherited Cardiovascular Disease, Montreal Heart Institute
Classification: Likely benign. Last evaluated: 2025-04-09. Review status: criteria provided, single submitter. Criteria: ACMG Guidelines, 2015. Collection method: clinical testing. Allele origin: germline. Affected: no.

Blueprint Genetics
Classification: Likely benign. Last evaluated: 2023-09-22. Review status: criteria provided, single submitter. Criteria: ACMG Guidelines, 2015. Collection method: clinical testing. Allele origin: germline.

Ambry Genetics
Classification: Likely benign for Cardiovascular phenotype. Last evaluated: 2023-01-05. Review status: criteria provided, single submitter. Criteria: Ambry Variant Classification Scheme 2023. Collection method: clinical testing. Allele origin: germline.

GeneDx
Classification: Likely benign. Last evaluated: 2021-02-16. Review status: criteria provided, single submitter. Criteria: GeneDx Variant Classification Process June 2021. Collection method: clinical testing. Allele origin: germline. Affected: yes.

Women's Health and Genetics/Laboratory Corporation of America, LabCorp
Classification: Likely benign. Last evaluated: 2019-10-30. Review status: criteria provided, single submitter. Criteria: LabCorp Variant Classification Summary - May 2015. Collection method: clinical testing. Allele origin: germline.
Comment: Variant summary: TTN c.78249A>G alters a non-conserved nucleotide resulting in a synonymous change. 5/5 computational tools predict no significant impact on normal splicing. However, these predictions have yet to be confirmed by functional studies. The variant allele was found at a frequency of 8e-06 in 248612 control chromosomes (gnomAD). The available data on variant occurrences in the general population are insufficient to allow any conclusion about variant significance. To our knowledge, no occurrence of c.78249A>G in individuals affected with Cardiomyopathy and no experimental evidence demonstrating its impact on protein function have been reported. Three ClinVar submitters (evaluation after 2014) cite the variant as likely benign (x2) or uncertain significance (x1). Based on the evidence outlined above, the variant was classified as likely benign.

CHEO Genetics Diagnostic Laboratory, Children's Hospital of Eastern Ontario
Classification: Likely benign for Cardiomyopathy. Last evaluated: 2018-04-13. Review status: criteria provided, single submitter. Criteria: ACMG Guidelines, 2015. Collection method: clinical testing. Allele origin: germline.

Eurofins Ntd Llc (ga)
Classification: Uncertain significance. Last evaluated: 2018-03-15. Review status: criteria provided, single submitter. Criteria: EGL ClinVar v180209 classification definitions. Collection method: clinical testing. Allele origin: germline. Observed: 1 variant allele, 1 heterozygote.